The following is an entry in ClinVar:

ClinVar aggregate classification (germline): Uncertain significance. Review status: criteria provided, multiple submitters, no conflicts (2 of 4 stars). 2 submissions from 2 submitters: Uncertain significance (2). Last evaluated 2022-09-06.

Conditions:
Cardiovascular phenotype. Identifiers: MedGen CN230736.
Alstrom syndrome (ALMS). Identifiers: Orphanet 64, MedGen C0268425, MONDO:0008763, OMIM 203800.

Allele frequency attached by ClinVar (database versions not stated): gnomAD exomes below 0.00001; ExAC 0.00001; gnomAD 0.00001.
gnomAD v4.1: 3 of 1,613,780 alleles (0.00019%); highest among the groups gnomAD compares: African/African-American, 0.004%; no homozygotes.

Submissions (2):

Labcorp Genetics (formerly Invitae), Labcorp
Classification: Uncertain significance for Alstrom syndrome. Last evaluated: 2022-09-06. Review status: criteria provided, single submitter. Criteria: Invitae Variant Classification Sherloc (09022015). Collection method: clinical testing. Allele origin: germline.
Comment: This sequence change replaces proline, which is neutral and non-polar, with alanine, which is neutral and non-polar, at codon 3581 of the ALMS1 protein (p.Pro3581Ala). This variant is present in population databases (rs746126446, gnomAD 0.01%). This variant has not been reported in the literature in individuals affected with ALMS1-related conditions. ClinVar contains an entry for this variant (Variation ID: 1479881). Experimental studies and prediction algorithms are not available or were not evaluated, and the functional significance of this variant is currently unknown. In summary, the available evidence is currently insufficient to determine the role of this variant in disease. Therefore, it has been classified as a Variant of Uncertain Significance.

Ambry Genetics
Classification: Uncertain significance for Cardiovascular phenotype. Last evaluated: 2020-03-24. Review status: criteria provided, single submitter. Criteria: Ambry Variant Classification Scheme 2023. Collection method: clinical testing. Allele origin: germline.
Comment: The p.P3581A variant (also known as c.10741C>G), located in coding exon 16 of the ALMS1 gene, results from a C to G substitution at nucleotide position 10741. The proline at codon 3581 is replaced by alanine, an amino acid with highly similar properties. This amino acid position is not well conserved in available vertebrate species. In addition, this alteration is predicted to be tolerated by in silico analysis. Since supporting evidence is limited at this time, the clinical significance of this alteration remains unclear.

NM_001378454.1(ALMS1):c.10738C>G (p.Pro3580Ala)

Gene: ALMS1 (ALMS1 centrosome and basal body associated protein; plus strand). Cytogenetic location: 2p13.1.
Variant type: single nucleotide variant.
Coding change: c.10738C>G on transcript NM_001378454.1 (MANE Select); coding-DNA position 10738, C replaced by G.
Protein change: p.Pro3580Ala; replaces proline 3580 with alanine.
Molecular consequence: missense variant.
Genome position (GRCh38, 1-based): chr2:73,572,615, C>G. VCF-style: chr2-73572615-C-G. GRCh37 (hg19) VCF-style: chr2-73799742-C-G.
Other names: c.10741C>G, p.Pro3581Ala (NM_015120.4); short protein forms P3580A, P3581A.
Identifiers: ClinVar variation 1479881 (VCV001479881.5), dbSNP rs746126446, ClinGen allele CA1715050.